The following is an entry in ClinVar:

ClinVar aggregate classification (germline): Conflicting classifications of pathogenicity. Review status: criteria provided, conflicting classifications (1 of 4 stars). 18 submissions from 17 submitters: Uncertain significance (5); Benign (1); Likely benign (10). 2 of the submissions do not count toward it. Last evaluated 2026-02-01.

Conditions:
Breast and/or ovarian cancer. Identifiers: MedGen CN221562.
BRCA2-related disorder. Also called: BRCA2-related condition; BRCA2-related disorders. Identifiers: MedGen CN239275.
Hereditary cancer-predisposing syndrome. Also called: Hereditary neoplastic syndrome; Tumor predisposition; Hereditary Cancer Syndrome; Neoplastic Syndromes, Hereditary. Identifiers: Orphanet 140162, MedGen C0027672, MeSH D009386, MONDO:0015356.
Hereditary breast ovarian cancer syndrome. Also called: Breast and ovarian cancer; Hereditary breast and/or ovarian cancer syndrome; BRCA1- and BRCA2-Associated Hereditary Breast and Ovarian Cancer; Hereditary breast and ovarian cancer syndrome; Hereditary breast and ovarian cancer; Hereditary breast and ovarian cancer syndrome (HBOC). Identifiers: Orphanet 145, MedGen C0677776, MeSH D061325, MONDO:0003582. Disease mechanism: loss of function.
Fanconi anemia complementation group D1. Also called: BRCA2-Related Fanconi Anemia. Identifiers: Orphanet 319462, MedGen C1838457, MONDO:0011584, OMIM 605724.
Breast-ovarian cancer, familial, susceptibility to, 2 (BROVCA2). Also called: BRCA2 Hereditary Breast and Ovarian Cancer. Identifiers: Orphanet 145, MedGen C2675520, MONDO:0012933, OMIM 612555. Disease mechanism: loss of function.

Allele frequency attached by ClinVar (database versions not stated): ExAC 0.00003; gnomAD exomes 0.00003 and 0.00012; gnomAD 0.00015; TOPMed 0.00026.
gnomAD v4.1: 68 of 1,609,936 alleles (0.0042%); highest among the groups gnomAD compares: Admixed American, 0.11%; no homozygotes.

Submissions (18):

Labcorp Genetics (formerly Invitae), Labcorp
Classification: Benign for Hereditary breast ovarian cancer syndrome. Last evaluated: 2026-02-01. Review status: criteria provided, single submitter. Criteria: Invitae Variant Classification Sherloc (09022015). Collection method: clinical testing. Allele origin: germline.

PreventionGenetics, part of Exact Sciences
Classification: Likely benign for BRCA2-related condition. Last evaluated: 2025-09-05. Review status: criteria provided, single submitter. Criteria: ACMG Guidelines, 2015. Collection method: clinical testing. Allele origin: germline.
Comment: This variant is classified as likely benign based on ACMG/AMP sequence variant interpretation guidelines (Richards et al. 2015 PMID: 25741868, with internal and published modifications).

ARUP Laboratories, Molecular Genetics and Genomics, ARUP Laboratories
Classification: Likely benign. Last evaluated: 2025-07-11. Review status: criteria provided, single submitter. Criteria: ARUP Molecular Germline Variant Investigation Process 2024. Collection method: clinical testing. Allele origin: germline.

Women's Health and Genetics/Laboratory Corporation of America, LabCorp
Classification: Likely benign. Last evaluated: 2025-05-08. Review status: criteria provided, single submitter. Criteria: LabCorp Variant Classification Summary - May 2015. Collection method: clinical testing. Allele origin: germline.
Comment: Variant summary: BRCA2 c.6560C>T (p.Pro2187Leu) results in a non-conservative amino acid change in the encoded protein sequence. Algorithms developed to predict the effect of missense changes on protein structure and function are either unavailable or do not agree on the potential impact of this missense change. The variant allele was found at a frequency of 0.00012 in 246842 control chromosomes, predominantly at a frequency of 0.00083 within the Latino subpopulation in the gnomAD database. The observed variant frequency within Latino control individuals in the gnomAD database exceeds the estimated maximal expected allele frequency for a pathogenic variant in BRCA2 causing Hereditary Breast And Ovarian Cancer Syndrome phenotype (0.00075), strongly suggesting that the variant is a benign polymorphism found primarily in populations of Latino origin. c.6560C>T has been reported in the literature in individuals affected with, or suspected as having breast cancer (Briceno-Balcazar_2017, Ren_2021) but it was also reported in unaffected controls (Dorling_2021). These report(s) do not provide unequivocal conclusions about association of the variant with Hereditary Breast And Ovarian Cancer Syndrome. To our knowledge, no experimental evidence demonstrating an impact on protein function has been reported. The following publications have been ascertained in the context of this evaluation (PMID: 29021639, 33471991, 34196900). ClinVar contains an entry for this variant (Variation ID: 38052). Based on the evidence outlined above, the variant was classified as likely benign.

Molecular Diagnostics Laboratory, Catalan Institute of Oncology
Classification: Likely benign for Hereditary cancer-predisposing syndrome. Last evaluated: 2025-03-25. Review status: criteria provided, single submitter. Criteria: ClinGen BRCA1BRCA2 ACMG Specifications BRCA2 V1.0.0. Collection method: clinical testing. Allele origin: germline.
Comment: BS1, BP1_Strong c.6560C>T, located in exon 11 of the BRCA2 gene, is predicted to result in the substitution of proline by leucine at codon 2187, p.(Pro2187Leu).This position is outside a (potentially) clinically important functional domain and the SpliceAI algorithm predicts no significant impact on splicing (BP1_Strong). This variant is found in 27/33452, at a filtering allele frequency of 0.05% in the gnomAD v2.1.1 database, in the Latino population (exome non-cancer data set)(BS1). The SpliceAI algorithm predicts no significant impact on splicing. This variant has been reported in the ClinVar database (7x uncertain significance, 7 likely benign, 2x benign), in the LOVD database (1x not classified) and in BRCA Exchange database as not yet reviewed. Based on currently available information, c.6560C>T is classified as a benign variant according to ClinGen- BRCA1 and BRCA2 Guidelines version 1.0.0.

University of Washington Department of Laboratory Medicine, University of Washington
Classification: Likely benign for Hereditary cancer-predisposing syndrome. Last evaluated: 2023-03-23. Review status: criteria provided, single submitter. Criteria: Dines et al. (Genet Med. 2020). Collection method: curation. Allele origin: germline.
Comment: Missense variant in a coldspot region where missense variants are very unlikely to be pathogenic (PMID:31911673).

BRCA2 exon 11 coldspot. Reclassification based on statistical prior probability.

CHEO Genetics Diagnostic Laboratory, Children's Hospital of Eastern Ontario
Classification: Uncertain significance for Breast and/or ovarian cancer. Last evaluated: 2023-01-12. Review status: criteria provided, single submitter. Criteria: ACMG Guidelines, 2015. Collection method: clinical testing. Allele origin: germline.

Quest Diagnostics Nichols Institute San Juan Capistrano
Classification: Likely benign. Last evaluated: 2022-04-28. Review status: criteria provided, single submitter. Criteria: Quest Diagnostics criteria. Collection method: clinical testing. Allele origin: unknown.

St. Jude Molecular Pathology, St. Jude Children's Research Hospital
Classification: Uncertain significance for Hereditary breast ovarian cancer syndrome. Last evaluated: 2021-08-04. Review status: criteria provided, single submitter. Criteria: St. Jude Assertion Criteria 2020. Collection method: clinical testing. Allele origin: germline.

Sema4
Classification: Likely benign for Hereditary cancer-predisposing syndrome. Last evaluated: 2021-07-14. Review status: criteria provided, single submitter. Criteria: Sema4 Curation Guidelines. Collection method: curation. Allele origin: germline.

GeneDx
Classification: Likely benign. Last evaluated: 2021-06-14. Review status: criteria provided, single submitter. Criteria: GeneDx Variant Classification Process June 2021. Collection method: clinical testing. Allele origin: germline. Affected: yes.
Comment: This variant is associated with the following publications: (PMID: 24651015)

Baylor Genetics
Classification: Uncertain significance for Fanconi anemia complementation group D1. Last evaluated: 2019-05-29. Review status: criteria provided, single submitter. Criteria: ACMG Guidelines, 2015. Collection method: clinical testing. Allele origin: unknown. Affected: yes.
Comment: This variant was determined to be of uncertain significance according to ACMG Guidelines, 2015 [PMID:25741868].

Illumina Laboratory Services, Illumina
Classification: Uncertain significance for Breast-ovarian cancer, familial, susceptibility to, 2. Last evaluated: 2018-11-26. Review status: criteria provided, single submitter. Criteria: ICSL Variant Classification Criteria 13 December 2019. Collection method: clinical testing. Allele origin: germline.

Illumina Laboratory Services, Illumina
Classification: Uncertain significance for Fanconi anemia complementation group D1. Last evaluated: 2018-11-26. Review status: criteria provided, single submitter. Criteria: ICSL Variant Classification Criteria 13 December 2019. Collection method: clinical testing. Allele origin: germline.

Ambry Genetics
Classification: Likely benign for Hereditary cancer-predisposing syndrome. Last evaluated: 2018-01-31. Review status: criteria provided, single submitter. Criteria: Ambry Variant Classification Scheme 2023. Collection method: clinical testing. Allele origin: germline.

Color Diagnostics, LLC DBA Color Health
Classification: Likely benign for Hereditary cancer-predisposing syndrome. Last evaluated: 2015-04-13. Review status: criteria provided, single submitter. Criteria: ACMG Guidelines, 2015. Collection method: clinical testing. Allele origin: germline.

Sharing Clinical Reports Project (SCRP)
Classification: Benign for Breast-ovarian cancer, familial 2. Last evaluated: 2011-11-11. Review status: no assertion criteria provided. Collection method: clinical testing. Allele origin: germline. Not counted in ClinVar's aggregate classification.

Breast Cancer Information Core (BIC) (BRCA2)
Classification: Uncertain significance for Breast-ovarian cancer, familial 2. Last evaluated: 2002-05-29. Review status: no assertion criteria provided. Collection method: clinical testing. Allele origin: germline. Affected: yes. Observed: 2 variant alleles. Not counted in ClinVar's aggregate classification.

Literature cited by the submitters: PubMed 29021639 (cited by Women's Health and Genetics/Laboratory Corporation of America, LabCorp); PubMed 33471991 (cited by Women's Health and Genetics/Laboratory Corporation of America, LabCorp); PubMed 34196900 (cited by Women's Health and Genetics/Laboratory Corporation of America, LabCorp and Quest Diagnostics Nichols Institute San Juan Capistrano).

NM_000059.4(BRCA2):c.6560C>T (p.Pro2187Leu)

Gene: BRCA2 (BRCA2 DNA repair associated; plus strand). Cytogenetic location: 13q13.1.
Variant type: single nucleotide variant.
Coding change: c.6560C>T on transcript NM_000059.4 (MANE Select); coding-DNA position 6560, C replaced by T.
Protein change: p.Pro2187Leu; replaces proline 2187 with leucine.
Molecular consequence: missense variant.
Genome position (GRCh38, 1-based): chr13:32,340,915, C>T. VCF-style: chr13-32340915-C-T. GRCh37 (hg19) VCF-style: chr13-32915052-C-T.
Other names: p.P2187L:CCT>CTT; 6788C>T; short protein forms P2187L.
Identifiers: ClinVar variation 38052 (VCV000038052.47), dbSNP rs56019712, ClinGen allele CA024168.